The following is an entry in ClinVar:

NM_031433.4(MFRP):c.500del (p.Asn167fs)

Genes: C1QTNF5 (C1q and TNF related 5; minus strand), MFRP (membrane frizzled-related protein; minus strand). Cytogenetic location: 11q23.3.
Variant type: Deletion.
Coding change: c.500del on transcript NM_031433.4 (MANE Select); coding-DNA position 500, one base deleted (A; older notation c.500delA).
Protein change: p.Asn167fs; shifts the reading frame from asparagine 167.
Molecular consequence: frameshift variant. On other transcripts: 5 prime UTR variant (1).
Genome position (GRCh38, 1-based): chr11:119,345,561, T deleted on the plus strand (A on the coding strand, the reverse complement: MFRP is on the minus strand); the first of 2 consecutive T bases (chr11:119,345,561-119,345,562); deleting either gives the same sequence. VCF-style (leftmost placement, unchanged base first): chr11-119345560-GT-G. GRCh37 (hg19) VCF-style: chr11-119216270-GT-G.
Other names: c.-2137del (NM_015645.5); short protein forms N167fs.
Identifiers: ClinVar variation 2418993 (VCV002418993.44), dbSNP rs1353587068, ClinGen allele CA602579172.

ClinVar aggregate classification (germline): Pathogenic. Review status: criteria provided, multiple submitters, no conflicts (2 of 4 stars). 3 submissions from 3 submitters: Pathogenic (3). Last evaluated 2024-10-21.

Conditions:
Isolated microphthalmia 5. Also called: Posterior Microphthalmia with Retinitis Pigmentosa, Foveoschisis, and Optic Disc Drusen. Identifiers: Orphanet 251279, MedGen C1970236, MONDO:0012605, OMIM 611040.
MFRP-related disorder. Also called: MFRP-related disorders; MFRP-related condition.

Submissions (3):

Labcorp Genetics (formerly Invitae), Labcorp
Classification: Pathogenic for Isolated microphthalmia 5. Last evaluated: 2024-10-21. Review status: criteria provided, single submitter. Criteria: Invitae Variant Classification Sherloc (09022015). Collection method: clinical testing. Allele origin: germline.
Comment: This sequence change creates a premature translational stop signal (p.Asn167Thrfs*25) in the MFRP gene. It is expected to result in an absent or disrupted protein product. Loss-of-function variants in MFRP are known to be pathogenic (PMID: 12140190, 15976030, 20361016). This variant is present in population databases (no rsID available, gnomAD 0.006%). This premature translational stop signal has been observed in individual(s) with MFRP-related conditions (PMID: 19753314, 31106028). ClinVar contains an entry for this variant (Variation ID: 2418993). Algorithms developed to predict the effect of sequence changes on RNA splicing suggest that this variant may disrupt the consensus splice site. For these reasons, this variant has been classified as Pathogenic.

Blueprint Genetics
Classification: Pathogenic for MFRP-related disorders. Last evaluated: 2021-06-21. Review status: criteria provided, single submitter. Criteria: ACMG Guidelines, 2015. Collection method: clinical testing. Allele origin: germline. Affected: yes. Observed: 2 variant alleles.

Juno Genomics, Hangzhou Juno Genomics, Inc
Classification: Pathogenic for Isolated microphthalmia 5. Review status: criteria provided, single submitter. Criteria: ACMG Guidelines, 2015. Collection method: clinical testing. Allele origin: germline. Affected: yes.
Comment: Absent from controls (or at extremely low frequency if recessive) in Genome Aggregation Database.;Null variant in a gene where loss of function (LOF) is a known mechanism of disease.;Patient's phenotype or family history is highly specific for a disease with a single genetic etiology.

Literature cited by the submitters: PubMed 12140190 (cited by Labcorp Genetics (formerly Invitae), Labcorp); PubMed 15976030 (cited by Labcorp Genetics (formerly Invitae), Labcorp); PubMed 20361016 (cited by Labcorp Genetics (formerly Invitae), Labcorp); PubMed 19753314 (cited by Labcorp Genetics (formerly Invitae), Labcorp); PubMed 31106028 (cited by Labcorp Genetics (formerly Invitae), Labcorp).